The following is an entry in ClinVar:

NM_172107.4(KCNQ2):c.1678C>T (p.Arg560Trp)

Gene: KCNQ2 (potassium voltage-gated channel subfamily Q member 2; minus strand). Cytogenetic location: 20q13.33.
Variant type: single nucleotide variant.
Coding change: c.1678C>T on transcript NM_172107.4 (MANE Select); coding-DNA position 1678, C replaced by T.
Protein change: p.Arg560Trp; replaces arginine 560 with tryptophan.
Molecular consequence: missense variant.
Genome position (GRCh38, 1-based): chr20:63,413,535, G>A on the plus strand (C>T on the coding strand, the complement: KCNQ2 is on the minus strand). VCF-style: chr20-63413535-G-A. GRCh37 (hg19) VCF-style: chr20-62044888-G-A.
Other names: p.R560W:CGG>TGG; c.1594C>T, p.Arg532Trp (NM_004518.6); c.1624C>T, p.Arg542Trp (NM_172106.3); c.1585C>T, p.Arg529Trp (NM_172108.5); short protein forms R560W, R529W, R532W, R542W.
Identifiers: ClinVar variation 205915 (VCV000205915.37), dbSNP rs773171451, ClinGen allele CA315471.

ClinVar aggregate classification (germline): Pathogenic/Likely pathogenic. Review status: criteria provided, multiple submitters, no conflicts (2 of 4 stars). 15 submissions from 15 submitters: Pathogenic (11); Likely pathogenic (1). 3 of the submissions do not count toward it. Last evaluated 2025-09-24.

Conditions:
Global developmental delay (DD). Also called: Cognitive delay. Identifiers: MedGen C0557874, HP:0001263. Disease mechanism: loss of function.
Absent speech. Also called: Absent speech development. Identifiers: MedGen C1854882, HP:0001344.
Limb dystonia. Identifiers: MedGen C0751093, HP:0002451.
Early-infantile DEE. Also called: Ohtahara syndrome; Early infantile epileptic encephalopathy; Early infantile epileptic encephalopathy with suppression bursts. Identifiers: Orphanet 1934, MedGen C0393706, MONDO:0800491.
Neurodevelopmental disorder. Identifiers: MedGen C1535926, MeSH D065886, MONDO:0700092.
Inborn genetic diseases. Identifiers: MedGen C0950123, MeSH D030342.
KCNQ2-Related Disorders. Also called: KCNQ2-related disorder; KCNQ2-related condition. Identifiers: MedGen CN169299.
Developmental and epileptic encephalopathy, 7 (DEE7). Also called: KCNQ2-Related Neonatal Epileptic Encephalopathy; Early infantile epileptic encephalopathy 7; KCNQ2-Related Neonatal-Onset Developmental and Epileptic Encephalopathy (NEO-DEE). Identifiers: Orphanet 439218, MedGen C3150986, MONDO:0013387, OMIM 613720.

Submissions 1 to 13 of 21:

Genesolutions, Medical Genetics Institutes, Ho Chi Minh City, Vietnam
Classification: Pathogenic for Developmental and epileptic encephalopathy, 7. Last evaluated: 2025-09-24. Review status: criteria provided, single submitter. Criteria: ACMG Guidelines, 2015. Collection method: clinical testing. Allele origin: germline. Affected: yes.

Labcorp Genetics (formerly Invitae), Labcorp
Classification: Pathogenic for Early-infantile DEE. Last evaluated: 2024-12-09. Review status: criteria provided, single submitter. Criteria: Invitae Variant Classification Sherloc (09022015). Collection method: clinical testing. Allele origin: germline.
Comment: This sequence change replaces arginine, which is basic and polar, with tryptophan, which is neutral and slightly polar, at codon 560 of the KCNQ2 protein (p.Arg560Trp). This variant is not present in population databases (gnomAD no frequency). This missense change has been observed in individual(s) with early-infantile epileptic encephalopathy (PMID: 22275249, 25880994). In at least one individual the variant was observed to be de novo. ClinVar contains an entry for this variant (Variation ID: 205915). Invitae Evidence Modeling of protein sequence and biophysical properties (such as structural, functional, and spatial information, amino acid conservation, physicochemical variation, residue mobility, and thermodynamic stability) indicates that this missense variant is expected to disrupt KCNQ2 protein function with a positive predictive value of 95%. Experimental studies have shown that this missense change affects KCNQ2 function (PMID: 24318194). For these reasons, this variant has been classified as Pathogenic.

Dubai Health Genomic Medicine Center, Dubai Health
Classification: Pathogenic for Developmental and epileptic encephalopathy 7. Last evaluated: 2024-10-04. Review status: criteria provided, single submitter. Criteria: ACMG Guidelines, 2015. Collection method: research. Allele origin: germline. Affected: yes.
Comment: PS4, PS2, PM2, PM5, PM1

Revvity Omics, Revvity
Classification: Pathogenic. Last evaluated: 2024-07-31. Review status: criteria provided, single submitter. Criteria: ACMG Guidelines, 2015. Collection method: clinical testing. Allele origin: germline.

MGZ Medical Genetics Center
Classification: Pathogenic for Developmental and epileptic encephalopathy, 7. Last evaluated: 2022-06-24. Review status: criteria provided, single submitter. Criteria: ACMG Guidelines, 2015. Collection method: clinical testing. Allele origin: germline. Affected: yes. Observed: 1 variant allele.
Comment: ACMG criteria applied: PS4, PS3_MOD, PM5, PM6, PM2_SUP, PP3

GeneDx
Classification: Pathogenic. Last evaluated: 2022-04-02. Review status: criteria provided, single submitter. Criteria: GeneDx Variant Classification Process June 2021. Collection method: clinical testing. Allele origin: germline. Affected: yes.
Comment: Functional studies show that R560W (reported as R532W using alternative nomenclature) alters the expression and function of the Kv7.2 and Kv7.3 potassium channels (Orhan et al., 2014); In silico analysis supports that this missense variant has a deleterious effect on protein structure/function; Not observed in large population cohorts (gnomAD); Missense variants in this gene are often considered pathogenic (HGMD); This variant is associated with the following publications: (PMID: 31152295, 24318194, 22275249, 27652284, 28488083, 25880994, 31832524, 32139178, 32573669, 32581362, 33192566, 30008368, 32917465, 33726816, 31175295, 27602407)

Ambry Genetics
Classification: Pathogenic for Inborn genetic diseases. Last evaluated: 2022-01-14. Review status: criteria provided, single submitter. Criteria: Ambry Variant Classification Scheme 2023. Collection method: clinical testing. Allele origin: germline.
Comment: The c.1678C>T (p.R560W) alteration is located in exon 15 (coding exon 15) of the KCNQ2 gene. This alteration results from a C to T substitution at nucleotide position 1678, causing the arginine (R) at amino acid position 560 to be replaced by a tryptophan (W). This variant was not reported in population-based cohorts in the Genome Aggregation Database (gnomAD). This alteration has been detected in multiple individuals with neonatal epileptic encephalopathy (Kim, 2021; Na, 2020, Ma, 2019, Australian Genomics Health Alliance Acute Care Flagship, 2020) and has been found to be de novo in several unrelated affected individuals (Xu, 2021; Weckhuysen, 2012; Pisano, 2015; Oates, 2018; Fang, 2019). This amino acid position is highly conserved in available vertebrate species. This alteration is predicted to be deleterious by in silico analysis. Based on the available evidence, this alteration is classified as pathogenic.

Institute of Human Genetics, University of Leipzig Medical Center
Classification: Pathogenic for Developmental and epileptic encephalopathy, 7. Last evaluated: 2021-10-26. Review status: criteria provided, single submitter. Criteria: ACMG Guidelines, 2015. Collection method: clinical testing. Allele origin: unknown. Affected: yes.
Comment: _x000D_ Criteria applied: PS2, PS3_MOD, PS4_MOD, PM1, PM5, PM2_SUP, PP3

Laboratory of Molecular Genetics (Pr. Bezieau's lab), CHU de Nantes
Classification: Pathogenic for Neurodevelopmental disorder. Last evaluated: 2021-02-24. Review status: criteria provided, single submitter. Criteria: ACMG Guidelines, 2015. Collection method: clinical testing. Allele origin: germline. Affected: yes.

Victorian Clinical Genetics Services, Murdoch Childrens Research Institute
Classification: Pathogenic for Developmental and epileptic encephalopathy, 7. Last evaluated: 2020-10-19. Review status: criteria provided, single submitter. Criteria: ACMG Guidelines, 2015. Collection method: clinical testing. Allele origin: germline. Inheritance: Autosomal dominant inheritance. Affected: yes.
Comment: Based on the classification scheme VCGS_Germline_v1.3.3, this variant is classified as Pathogenic. Following criteria are met: 0103 - Dominant negative and loss of function are known mechanisms of disease in this gene and are associated with early infantile epileptic encephalopathy, 7 (EIEE) (MIM#613720) and benign neonatal seizures, 1 (BNS) (MIM#). Missense variants have been reported with a dominant negative mechanism (OMIM, PMID 24318194), while truncating variants have been reported to cause loss of function (Decipher). (I) 0107 - This gene is associated with autosomal dominant disease. (I) 0112 - The condition associated with this gene has incomplete penetrance, however, this is only reported for patients with BNS (PMID 25959266). (I) 0200 - Variant is predicted to result in a missense amino acid change from arginine to tryptophan. (I) 0251 - This variant is heterozygous. (I) 0301 - Variant is absent from gnomAD (both v2 and v3). (SP) 0501 - Missense variant consistently predicted to be damaging by multiple in silico tools or highly conserved with a major amino acid change. (SP) 0600 - Variant is located in the annotated KCNQ voltage-gated potassium channel (NCBI, PDB). (I) 0704 - Another missense variant comparable to the one identified in this case has limited previous evidence for pathogenicity. An alternative change (p.Arg560Gln) has been reported as likely pathogenic (ClinVar). (SP) 0801 - This variant has strong previous evidence of pathogenicity in unrelated individuals. This variant has been reported multiple times as pathogenic, and has been observed in several de novo patients with EIEE (Decipher, ClinVar, PMID: 22275249, PMID: 25880994). (SP) 1207 - Parental origin of the variant is unresolved. (I) Legend: (SP) - Supporting pathogenic, (I) - Information, (SB) - Supporting benign

Genomic Research Center, Shahid Beheshti University of Medical Sciences
Classification: Likely pathogenic for Early infantile epileptic encephalopathy 7. Last evaluated: 2019-04-27. Review status: criteria provided, single submitter. Criteria: ACMG Guidelines, 2015. Collection method: clinical testing. Allele origin: unknown. Affected: yes.

Neuberg Centre For Genomic Medicine, NCGM
Classification: Pathogenic for Developmental and epileptic encephalopathy, 7. Review status: criteria provided, single submitter. Criteria: ACMG Guidelines, 2015. Collection method: clinical testing. Allele origin: germline. Inheritance: Autosomal dominant inheritance. Affected: yes.

PreventionGenetics, part of Exact Sciences
Classification: Pathogenic for KCNQ2-related condition. Last evaluated: 2024-08-25. Review status: no assertion criteria provided. Collection method: clinical testing. Allele origin: germline. Not counted in ClinVar's aggregate classification.
Comment: The KCNQ2 c.1678C>T variant is predicted to result in the amino acid substitution p.Arg560Trp. This variant has been reported many times, and often as arising de novo, in individuals with early-infantile developmental and epileptic encephalopathy (see for examples Weckhuysen et al. 2012. PubMed ID: 22275249; Na et al. 2020. PubMed ID: 32139178; Scheffer et al. 2022. PubMed ID: 35701389). This variant has not been reported in a large population database, indicating this variant is rare. This variant has been classified as pathogenic by multiple independent submitters to the ClinVar database. Given the evidence, we interpret c.1678C>T (p.Arg560Trp) as pathogenic.